The following is an entry in ClinVar:

NM_000051.4(ATM):c.3085A>C (p.Thr1029Pro)

Gene: ATM (ATM serine/threonine kinase; plus strand). Cytogenetic location: 11q22.3.
Variant type: single nucleotide variant.
Coding change: c.3085A>C on transcript NM_000051.4 (MANE Select); coding-DNA position 3085, A replaced by C.
Protein change: p.Thr1029Pro; replaces threonine 1029 with proline.
Molecular consequence: missense variant.
Genome position (GRCh38, 1-based): chr11:108,272,539, A>C. VCF-style: chr11-108272539-A-C. GRCh37 (hg19) VCF-style: chr11-108143266-A-C.
Other names: c.3085A>C, p.Thr1029Pro (NM_001351834.2); short protein forms T1029P.
Identifiers: ClinVar variation 4747194 (VCV004747194.1).
Genomic context (GRCh38, chr11:108,272,539, plus strand): 5'-GAGTGCTTTTATCAGAATGATTATTTAACTTTGGAAAACTTACTTGATTTCAGGCATCTA[A>C]CAAAGGAGAGGAAATATATATTCTCTGTAAGAATGGCCCTAGTAAATTGCCTTAAAACTT-3'
Protein context (NP_000042.3, residues 1019-1039): LTVIGAFWHL[Thr1029Pro]KERKYIFSVR

ClinVar aggregate classification (germline): Uncertain significance (1 of 4 stars; one submission).

Conditions:
Ataxia-telangiectasia syndrome (AT). Also called: Ataxia-telangiectasia, complementation group D; AT, COMPLEMENTATION GROUP C; Ataxia-telangiectasia; Ataxia telangiectasia (A-T); LOUIS-BAR SYNDROME; Cerebello-oculocutaneous telangiectasia. Identifiers: Orphanet 100, MedGen C0004135, MONDO:0008840, OMIM 208900.

Submission:

Labcorp Genetics (formerly Invitae), Labcorp
Classification: Uncertain significance for Ataxia-telangiectasia syndrome. Last evaluated: 2025-11-22. Review status: criteria provided, single submitter. Criteria: Invitae Variant Classification Sherloc (09022015). Collection method: clinical testing. Allele origin: germline.
Comment: This sequence change replaces threonine, which is neutral and polar, with proline, which is neutral and non-polar, at codon 1029 of the ATM protein (p.Thr1029Pro). This variant is not present in population databases (gnomAD no frequency). This variant has not been reported in the literature in individuals affected with ATM-related conditions. Invitae Evidence Modeling of protein sequence and biophysical properties (such as structural, functional, and spatial information, amino acid conservation, physicochemical variation, residue mobility, and thermodynamic stability) indicates that this missense variant is not expected to disrupt ATM protein function with a negative predictive value of 95%. In summary, the available evidence is currently insufficient to determine the role of this variant in disease. Therefore, it has been classified as a Variant of Uncertain Significance.